The following is an entry in ClinVar:

ClinVar aggregate classification (germline): Likely pathogenic (1 of 4 stars; one submission).

Conditions:
Alzheimer disease 3 (AD3). Also called: ALZHEIMER DISEASE, FAMILIAL, 3. Identifiers: Orphanet 1020, MedGen C1843013, MONDO:0011913, OMIM 607822.
Acne inversa, familial, 3 (ACNINV3). Identifiers: MedGen C3151038, MONDO:0013398, OMIM 613737.
Pick disease. Also called: DEMENTIA WITH LOBAR ATROPHY AND NEURONAL CYTOPLASMIC INCLUSIONS; LOBAR ATROPHY OF BRAIN; PICK DISEASE OF BRAIN; Pick Disease of the Brain; Pick's disease. Identifiers: Orphanet 282, MedGen C0236642, MONDO:0008243, OMIM 172700.
Frontotemporal dementia (FTD1). Also called: WILHELMSEN-LYNCH DISEASE; FRONTOTEMPORAL DEMENTIA WITH PARKINSONISM; FRONTOTEMPORAL LOBE DEMENTIA; FRONTOTEMPORAL LOBAR DEGENERATION WITH TAU INCLUSIONS; FTLD WITH TAU INCLUSIONS; MULTIPLE SYSTEM TAUOPATHY WITH PRESENILE DEMENTIA. Identifiers: Orphanet 282, MedGen C0338451, MONDO:0017276, OMIM 600274, HP:0002145.

Submission:

Labcorp Genetics (formerly Invitae), Labcorp
Classification: Likely pathogenic for Alzheimer disease 3; Pick disease; Acne inversa, familial, 3; Frontotemporal dementia. Last evaluated: 2023-02-21. Review status: criteria provided, single submitter. Criteria: Invitae Variant Classification Sherloc (09022015). Collection method: clinical testing. Allele origin: germline.
Comment: In summary, the currently available evidence indicates that the variant is pathogenic, but additional data are needed to prove that conclusively. Therefore, this variant has been classified as Likely Pathogenic. This variant disrupts the p.Ile143 amino acid residue in PSEN1. Other variant(s) that disrupt this residue have been determined to be pathogenic (PMID: 8634711, 17968601, 20628413, 24773620, 28350801, 30090657, 30528841). This suggests that this residue is clinically significant, and that variants that disrupt this residue are likely to be disease-causing. Experimental studies have shown that this missense change affects PSEN1 function (PMID: 27014058, 27930341). Advanced modeling of protein sequence and biophysical properties (such as structural, functional, and spatial information, amino acid conservation, physicochemical variation, residue mobility, and thermodynamic stability) performed at Invitae indicates that this missense variant is not expected to disrupt PSEN1 protein function. This missense change has been observed in individuals with early-onset Alzheimer disease (PMID: 21422519; Invitae). This variant is not present in population databases (gnomAD no frequency). This sequence change replaces isoleucine, which is neutral and non-polar, with valine, which is neutral and non-polar, at codon 143 of the PSEN1 protein (p.Ile143Val).

Literature cited by the submitters: PubMed 8634711; PubMed 17968601; PubMed 20628413; PubMed 24773620; PubMed 28350801; PubMed 30090657; PubMed 30528841; PubMed 27014058; PubMed 27930341; PubMed 21422519.

NM_000021.4(PSEN1):c.427A>G (p.Ile143Val)

Gene: PSEN1 (presenilin 1; plus strand). Cytogenetic location: 14q24.2.
Variant type: single nucleotide variant.
Coding change: c.427A>G on transcript NM_000021.4 (MANE Select); coding-DNA position 427, A replaced by G.
Protein change: p.Ile143Val; replaces isoleucine 143 with valine.
Molecular consequence: missense variant.
Genome position (GRCh38, 1-based): chr14:73,173,654, A>G. VCF-style: chr14-73173654-A-G. GRCh37 (hg19) VCF-style: chr14-73640362-A-G.
Other names: c.415A>G, p.Ile139Val (NM_007318.3); short protein forms I143V, I139V.
Identifiers: ClinVar variation 2137603 (VCV002137603.4), dbSNP rs63750322, ClinGen allele CA390304983.